The following is an entry in ClinVar:

NM_201384.3(PLEC):c.5380G>A (p.Gly1794Ser)

Gene: PLEC (plectin; minus strand). Cytogenetic location: 8q24.3.
Variant type: single nucleotide variant.
Coding change: c.5380G>A on transcript NM_201384.3 (MANE Select); coding-DNA position 5380, G replaced by A.
Protein change: p.Gly1794Ser; replaces glycine 1794 with serine.
Molecular consequence: missense variant.
Genome position (GRCh38, 1-based): chr8:143,924,549, C>T on the plus strand (G>A on the coding strand, the complement: PLEC is on the minus strand). VCF-style: chr8-143924549-C-T. GRCh37 (hg19) VCF-style: chr8-144998717-C-T.
Other names: c.5461G>A, p.Gly1821Ser (NM_000445.5); c.5338G>A, p.Gly1780Ser (NM_201378.4); c.5314G>A, p.Gly1772Ser (NM_201379.3); c.5791G>A, p.Gly1931Ser (NM_201380.4); c.5284G>A, p.Gly1762Ser (NM_201381.3); c.5380G>A, p.Gly1794Ser (NM_201382.4); c.5392G>A, p.Gly1798Ser (NM_201383.3); short protein forms G1762S, G1821S, G1931S, G1780S, G1794S, G1772S, G1798S.
Identifiers: ClinVar variation 970119 (VCV000970119.7), dbSNP rs782240621, ClinGen allele CA4926379.

ClinVar aggregate classification (germline): Uncertain significance (1 of 4 stars; one submission).

Conditions:
Epidermolysis bullosa simplex 5B, with muscular dystrophy (EBS5B). Also called: Epidermolysis bullosa simplex with muscular dystrophy; EPIDERMOLYSIS BULLOSA SIMPLEX AND LIMB-GIRDLE MUSCULAR DYSTROPHY. Identifiers: Orphanet 257, MedGen C2931072, MONDO:0009181, OMIM 226670.
Autosomal recessive limb-girdle muscular dystrophy type 2Q (LGMDR17). Also called: MUSCULAR DYSTROPHY, LIMB-GIRDLE, AUTOSOMAL RECESSIVE 17. Identifiers: Orphanet 254361, MedGen C3150989, MONDO:0013390, OMIM 613723.
Epidermolysis bullosa simplex with nail dystrophy (EBS5D). Identifiers: MedGen C4225309, MONDO:0014661, OMIM 616487.
Epidermolysis bullosa simplex 5C, with pyloric atresia (EBS5C). Also called: PLEC-Related Epidermolysis Bullosa with Pyloric Atresia; Epidermolysis bullosa simplex with pyloric atresia; PLEC1-Related Epidermolysis Bullosa with Pyloric Atresia. Identifiers: Orphanet 158684, MedGen C2677349, MONDO:0012807, OMIM 612138.
Epidermolysis bullosa simplex, Ogna type (EBS5A). Also called: Pidermolysis bullosa simplex 5A, Ogna type; EPIDERMOLYSIS BULLOSA SIMPLEX 5A, OGNA TYPE. Identifiers: Orphanet 79401, MedGen C0432317, MONDO:0007555, OMIM 131950.

Allele frequency attached by ClinVar (database versions not stated): TOPMed 0.00002; gnomAD 0.00004 and 0.00005; gnomAD exomes 0.00008; 1000 Genomes Project 30x 0.00016; ExAC 0.00031.
gnomAD v4.1: 77 of 1,542,282 alleles (0.005%); highest among the groups gnomAD compares: South Asian, 0.02%; no homozygotes.

Submission:

Labcorp Genetics (formerly Invitae), Labcorp
Classification: Uncertain significance for Autosomal recessive limb-girdle muscular dystrophy type 2Q; Epidermolysis bullosa simplex, Ogna type; Epidermolysis bullosa simplex with nail dystrophy; Epidermolysis bullosa simplex 5C, with pyloric atresia; Epidermolysis bullosa simplex 5B, with muscular dystrophy. Last evaluated: 2025-06-03. Review status: criteria provided, single submitter. Criteria: Invitae Variant Classification Sherloc (09022015). Collection method: clinical testing. Allele origin: germline.
Comment: This sequence change replaces glycine, which is neutral and non-polar, with serine, which is neutral and polar, at codon 1821 of the PLEC protein (p.Gly1821Ser). This variant is present in population databases (rs782240621, gnomAD 0.04%). This variant has not been reported in the literature in individuals affected with PLEC-related conditions. ClinVar contains an entry for this variant (Variation ID: 970119). Invitae Evidence Modeling of protein sequence and biophysical properties (such as structural, functional, and spatial information, amino acid conservation, physicochemical variation, residue mobility, and thermodynamic stability) indicates that this missense variant is not expected to disrupt PLEC protein function with a negative predictive value of 80%. In summary, the available evidence is currently insufficient to determine the role of this variant in disease. Therefore, it has been classified as a Variant of Uncertain Significance.